The following is an entry in ClinVar:

NM_016734.3(PAX5):c.854C>T (p.Thr285Ile)

Gene: PAX5 (paired box 5; minus strand). Cytogenetic location: 9p13.2.
Variant type: single nucleotide variant.
Coding change: c.854C>T on transcript NM_016734.3 (MANE Select); coding-DNA position 854, C replaced by T.
Protein change: p.Thr285Ile; replaces threonine 285 with isoleucine.
Molecular consequence: missense variant. On other transcripts: intron variant (2).
Genome position (GRCh38, 1-based): chr9:36,923,411, G>A on the plus strand (C>T on the coding strand, the complement: PAX5 is on the minus strand). VCF-style: chr9-36923411-G-A. GRCh37 (hg19) VCF-style: chr9-36923408-G-A.
Other names: c.854C>T (NM_016734.1); c.854C>T, p.Thr285Ile (NM_001280547.2, NM_001280548.2, NM_001280552.2); c.530C>T, p.Thr177Ile (NM_001280551.2, NM_001280556.2); c.725C>T, p.Thr242Ile (NM_001280553.2, NM_001280554.2); c.656C>T, p.Thr219Ile (NM_001280555.2); c.780+43138C>T (NM_001280550.2, NM_001280549.2); short protein forms T177I, T219I, T242I, T285I.
Identifiers: ClinVar variation 2428918 (VCV002428918.7), dbSNP rs79813621, ClinGen allele CA5058162.

ClinVar aggregate classification (germline): Uncertain significance. Review status: criteria provided, multiple submitters, no conflicts (2 of 4 stars). 3 submissions from 3 submitters: Uncertain significance (3). Last evaluated 2025-12-30.

Conditions:
Inborn genetic diseases. Identifiers: MedGen C0950123, MeSH D030342.

Allele frequency attached by ClinVar (database versions not stated): gnomAD exomes below 0.00001; ExAC 0.00001; gnomAD 0.00001; 1000 Genomes Project 0.00020; 1000 Genomes Project 30x 0.00031.
gnomAD v4.1: 2 of 1,613,334 alleles (0.00012%); highest among the groups gnomAD compares: Non-Finnish European, 0.00017%; no homozygotes.

Submissions (3):

Labcorp Genetics (formerly Invitae), Labcorp
Classification: Uncertain significance. Last evaluated: 2025-12-30. Review status: criteria provided, single submitter. Criteria: Invitae Variant Classification Sherloc (09022015). Collection method: clinical testing. Allele origin: germline.
Comment: This sequence change replaces threonine, which is neutral and polar, with isoleucine, which is neutral and non-polar, at codon 285 of the PAX5 protein (p.Thr285Ile). This variant is present in population databases (rs79813621, gnomAD 0.0009%). This variant has not been reported in the literature in individuals affected with PAX5-related conditions. ClinVar contains an entry for this variant (Variation ID: 2428918). Invitae Evidence Modeling of protein sequence and biophysical properties (such as structural, functional, and spatial information, amino acid conservation, physicochemical variation, residue mobility, and thermodynamic stability) indicates that this missense variant is not expected to disrupt PAX5 protein function with a negative predictive value of 80%. In summary, the available evidence is currently insufficient to determine the role of this variant in disease. Therefore, it has been classified as a Variant of Uncertain Significance.

Ambry Genetics
Classification: Uncertain significance for Inborn genetic diseases. Last evaluated: 2024-12-21. Review status: criteria provided, single submitter. Criteria: Ambry Variant Classification Scheme 2023. Collection method: clinical testing. Allele origin: germline.
Comment: The p.T285I variant (also known as c.854C>T), located in coding exon 7 of the PAX5 gene, results from a C to T substitution at nucleotide position 854. The threonine at codon 285 is replaced by isoleucine, an amino acid with similar properties. This amino acid position is conserved. In addition, the in silico prediction for this alteration is inconclusive. Based on the available evidence, the clinical significance of this variant remains unclear.

GeneDx
Classification: Uncertain significance. Last evaluated: 2022-08-03. Review status: criteria provided, single submitter. Criteria: GeneDx Variant Classification Process June 2021. Collection method: clinical testing. Allele origin: germline. Affected: yes.
Comment: Not observed at significant frequency in large population cohorts (gnomAD); In silico analysis supports that this missense variant has a deleterious effect on protein structure/function; Has not been previously published as pathogenic or benign to our knowledge